The following is an entry in ClinVar:

ClinVar aggregate classification (germline): Benign (1 of 4 stars; one submission).

Conditions:
Glycogen storage disease, type II (IOPD). Also called: Pompe Disease; CARDIOMEGALIA GLYCOGENICA DIFFUSA; GLYCOGENOSIS, GENERALIZED, CARDIAC FORM; GSD II; POMPE DISEASE, INFANTILE-ONSET; GLYCOGEN STORAGE DISEASE II, INFANTILE-ONSET. Identifiers: Orphanet 365, MedGen C0017921, MONDO:0009290, OMIM 232300.

gnomAD v4.1: 75,701 of 151,980 alleles (50%); highest among the groups gnomAD compares: South Asian, 59%; 19,264 homozygotes.

Submission:

Genomenon, Inc
Classification: Benign for Glycogen storage disease, type II. Last evaluated: 2026-07-01. Review status: criteria provided, single submitter. Criteria: Genomenon Sequence Variant Interpretation Standards - Updated. Collection method: curation. Allele origin: germline. Affected: no.
Comment: GAA c.-32-640C>T is an intronic variant located in the 5′ untranslated region (5′ UTR). This variant is present at high allele frequency in population databases. We classify GAA c.-32-640C>T as a benign variant.

NM_000152.5(GAA):c.-32-640C>T

Gene: GAA (alpha glucosidase; plus strand). Cytogenetic location: 17q25.3.
Variant type: single nucleotide variant.
Coding change: c.-32-640C>T on transcript NM_000152.5 (MANE Select); 640 bases into the intron before 32 bases upstream of the start codon, C replaced by T.
Molecular consequence: intron variant.
Genome position (GRCh38, 1-based): chr17:80,103,915, C>T. VCF-style: chr17-80103915-C-T. GRCh37 (hg19) VCF-style: chr17-78077714-C-T.
Other names: c.-32-640C>T (NM_001406741.1, NM_001406742.1, NM_001079803.3 and 1 more transcripts).
Identifiers: ClinVar variation 4876403 (VCV004876403.1).